The following is an entry in ClinVar:

ClinVar aggregate classification (germline): Likely benign. Review status: criteria provided, multiple submitters, no conflicts (2 of 4 stars). 2 submissions from 2 submitters: Likely benign (2). Last evaluated 2026-09-01.

Conditions:
Developmental and epileptic encephalopathy, 31A. Also called: Developmental and epileptic encephalopathy, 31; Epileptic encephalopathy, early infantile, 31. Identifiers: Orphanet 2382, MedGen C4225357, MONDO:0014598, OMIM 616346.

Allele frequency attached by ClinVar (database versions not stated): TOPMed 0.00002; gnomAD 0.00003; 1000 Genomes Project 30x 0.00016.
gnomAD v4.1: 9 of 1,303,164 alleles (0.00069%); highest among the groups gnomAD compares: South Asian, 0.005%; no homozygotes.

Submissions (2):

CeGaT Center for Human Genetics Tuebingen
Classification: Likely benign. Last evaluated: 2026-09-01. Review status: criteria provided, single submitter. Criteria: CeGaT Center For Human Genetics Tuebingen Variant Classification Criteria Version 2. Collection method: clinical testing. Allele origin: germline. Affected: yes. Observed: 1 variant allele.
Comment: DNM1: BP4, BP7

Labcorp Genetics (formerly Invitae), Labcorp
Classification: Likely benign for Developmental and epileptic encephalopathy, 31A. Last evaluated: 2024-10-24. Review status: criteria provided, single submitter. Criteria: Invitae Variant Classification Sherloc (09022015). Collection method: clinical testing. Allele origin: germline.

NM_004408.4(DNM1):c.2427G>T (p.Leu809=)

Genes: DNM1 (dynamin 1; plus strand), LOC130002699 (ATAC-STARR-seq lymphoblastoid silent region 20333; plus strand). Cytogenetic location: 9q34.11.
Variant type: single nucleotide variant.
Coding change: c.2427G>T on transcript NM_004408.4 (MANE Select); coding-DNA position 2427, G replaced by T.
Protein change: p.Leu809=; no amino-acid change (leucine 809 retained).
Molecular consequence: synonymous variant.
Genome position (GRCh38, 1-based): chr9:128,250,833, G>T. VCF-style: chr9-128250833-G-T. GRCh37 (hg19) VCF-style: chr9-131013112-G-T.
Other names: c.2427G>T, p.Leu809= (NM_001005336.3, NM_001288737.2, NM_001288738.2 and 1 more transcripts).
Identifiers: ClinVar variation 542683 (VCV000542683.10), dbSNP rs897409469, ClinGen allele CA200323386.